The following continues an entry in ClinVar:

NM_000169.3(GLA):c.427G>A (p.Ala143Thr)

ClinVar aggregate classification (germline): Conflicting classifications of pathogenicity. Pathogenic (1); Likely pathogenic (7); Uncertain significance (21); Likely benign (3).

Submissions 26 to 35 of 35:

Broad Center for Mendelian Genomics, Broad Institute of MIT and Harvard
Classification: Uncertain significance for Fabry disease. Last evaluated: 2020-01-22. Review status: criteria provided, single submitter. Criteria: ACMG Guidelines, 2015. Collection method: curation. Allele origin: germline. Inheritance: X-linked inheritance.
Comment: The p.Ala143Thr variant in GLA has been reported in the literature in many individuals with non-classic Fabry disease (PMID: 9100224, 22805550, 21549080, 25040344, 23219219, 27142856, 23430526, 23935525), and has been identified in 0.095% (88/92769) of European (non-Finnish) chromosomes, including 26 hemizygous , 0.039% (11/28049) Latino chromosomes, including 2 hemizygotes, 0.016% (3/19041) African chromosomes, including 1 hemizygote, 0.013% (1/7665) Ashkenazi Jewish chromosomes, and 0.0054% (1/18649) European (non-Finnish) chromosomes by the Genome Aggregation Database (gnomAD; dbSNP rs104894845). This variant has also been reported in ClinVar as likely pathogenic by EGL Genetic Diagnostics, Division of Genomic Diagnostics (The Children's Hospital of Philadelphia), and Integrated Genetics/Laboratory Corporation of America, as a VUS by the Laboratory for Molecular Medicine (Partners Healthcare), Blueprint Genetics, Invitae, ARUP Laboratories, Ambry Genetics, Bioscientia Institut fuer Medizinische Diagnostik GmbH, and GeneReviews, and as Pathogenic by Center for Pediatric Genomic Medicine and OMIM (Variation ID: 10748). In vitro functional studies provide some evidence that the p.Ala143Thr variant may impact protein function (PMID: 21598360, 16595074, 17532296, 16773563, 25040344, 23935525). However, these types of assays may not accurately represent biological function. Computational prediction tools and conservation analyses suggest that this variant may impact the protein, though this information is not predictive enough to determine pathogenicity. In summary, the clinical significance of the p.Ala143Thr variant is uncertain. ACMG/AMP Criteria applied: PM5, BS1, PS3_moderate, PP3 (Richards 2015).

X-linked inheritance (primarily recessive with milder female expression)

University of Iowa Renal Genetics Clinic, University of Iowa
Classification: Likely benign for Fabry disease. Last evaluated: 2019-07-11. Review status: criteria provided, single submitter. Criteria: ACMG Guidelines, 2015. Collection method: clinical testing. Allele origin: germline. Inheritance: X-linked inheritance. Affected: no. Observed: 1 hemizygote.
Comment: Therefore, this variant meets BS1 and BS2 criteria from the ACMG guidelines.

Mendelics
Classification: Uncertain significance for Fabry disease. Last evaluated: 2019-05-28. Review status: criteria provided, single submitter. Criteria: Mendelics Assertion Criteria 2017. Collection method: clinical testing. Allele origin: unknown.

Laboratory for Molecular Medicine, Mass General Brigham Personalized Medicine
Classification: Uncertain significance. Last evaluated: 2019-02-08. Review status: criteria provided, single submitter. Criteria: LMM Criteria. Collection method: clinical testing. Allele origin: germline. Inheritance: X-linked inheritance. Observed: 3 variant alleles.
Comment: Variant classified as Uncertain Significance - Favor Benign. Disclaimer: This variant has not undergone full assessment. The following are preliminary notes: Classified by NVA lite in 2018. 23 papers in HGMD are conflicting. Classifications in clinvar are conflicting: LP (EGL, CHOP), P (Integrated, CMHC), VUS (7 submitters). Gnomad: 0.095% (88 alleles; 26 hemizygotes). 29 hemi males (BF: in gnomad); variant has been associated with mild phenotype

Eurofins Ntd Llc (ga)
Classification: Likely pathogenic. Last evaluated: 2018-04-10. Review status: criteria provided, single submitter. Criteria: EGL ClinVar v180209 classification definitions. Collection method: clinical testing. Allele origin: germline. Observed: 182 variant alleles, 124 heterozygotes, 1 homozygote, 57 hemizygotes.

Center for Pediatric Genomic Medicine, Children's Mercy Hospital and Clinics
Classification: Pathogenic. Last evaluated: 2015-09-14. Review status: criteria provided, single submitter. Criteria: ACMG Guidelines, 2015. Collection method: clinical testing. Allele origin: germline.

Genomic Diagnostic Laboratory, Division of Genomic Diagnostics, Children's Hospital of Philadelphia
Classification: Likely pathogenic for Fabry's disease. Last evaluated: 2015-03-06. Review status: criteria provided, single submitter. Criteria: DGD Variant Analysis Guidelines. Collection method: clinical testing. Allele origin: unknown.

OMIM
Classification: Pathogenic for FABRY DISEASE. Last evaluated: 2006-03-01. Review status: no assertion criteria provided. Collection method: literature only. Allele origin: germline. Not counted in ClinVar's aggregate classification.

Bioscientia Institut fuer Medizinische Diagnostik GmbH, Sonic Healthcare
Classification: Uncertain significance for Fabry disease. Review status: no assertion criteria provided. Collection method: clinical testing. Allele origin: germline. Affected: yes. Not counted in ClinVar's aggregate classification.

GeneReviews
No classification provided. Condition: Fabry disease. Review status: no classification provided. Collection method: literature only. Allele origin: germline. Not counted in ClinVar's aggregate classification.

Literature cited by the submitters: PubMed 31949022 (cited by 4 submitters); PubMed 23546814 (cited by Genomenon, Inc); PubMed 29853467 (cited by Genomenon, Inc); PubMed 36247762 (cited by Genomenon, Inc); PubMed 30594474 (cited by Genomenon, Inc); PubMed 11668641 (cited by 4 submitters); PubMed 16533976 (cited by 4 submitters); PubMed 34190205 (cited by Genomenon, Inc); PubMed 27676143 (cited by Genomenon, Inc); PubMed 21549080 (cited by 5 submitters); PubMed 23430526 (cited by 8 submitters); PubMed 25040344 (cited by 5 submitters); PubMed 16595074 (cited by 6 submitters); PubMed 18698230 (cited by Genomenon, Inc); PubMed 21598360 (cited by Genomenon, Inc and Eurofins Ntd Llc (ga)); PubMed 23935525 (cited by 6 submitters); PubMed 38618884 (cited by Genomenon, Inc and Women's Health and Genetics/Laboratory Corporation of America, LabCorp); PubMed 19387866 (cited by Genomenon, Inc); PubMed 17532296 (cited by 3 submitters); PubMed 39704415 (cited by Genomenon, Inc); PubMed 25409744 (cited by Genomenon, Inc); PubMed 16773563 (cited by 8 submitters); PubMed 27142856 (cited by 7 submitters); PubMed 9100224 (cited by 7 submitters); PubMed 22805550 (cited by Labcorp Genetics (formerly Invitae), Labcorp and Ambry Genetics); PubMed 23219219 (cited by 6 submitters); PubMed 28799081 (cited by Labcorp Genetics (formerly Invitae), Labcorp); PubMed 15806320 (cited by Ambry Genetics and Laboratory for Molecular Medicine, Mass General Brigham Personalized Medicine); PubMed 17040996 (cited by Ambry Genetics and Laboratory for Molecular Medicine, Mass General Brigham Personalized Medicine); PubMed 17804462 (cited by Ambry Genetics and Laboratory for Molecular Medicine, Mass General Brigham Personalized Medicine); PubMed 18154965 (cited by 3 submitters); PubMed 18596132 (cited by Ambry Genetics and Women's Health and Genetics/Laboratory Corporation of America, LabCorp); PubMed 20031620 (cited by Ambry Genetics and Laboratory for Molecular Medicine, Mass General Brigham Personalized Medicine); PubMed 20360539 (cited by Ambry Genetics and Laboratory for Molecular Medicine, Mass General Brigham Personalized Medicine); PubMed 24082139 (cited by Ambry Genetics and Laboratory for Molecular Medicine, Mass General Brigham Personalized Medicine); PubMed 24380807 (cited by Ambry Genetics and Laboratory for Molecular Medicine, Mass General Brigham Personalized Medicine); PubMed 25382311 (cited by Ambry Genetics); PubMed 25611685 (cited by Ambry Genetics); PubMed 27832731 (cited by Ambry Genetics); PubMed 29867742 (cited by 3 submitters); PubMed 31996269 (cited by Ambry Genetics); PubMed 32011328 (cited by Ambry Genetics and Color Diagnostics, LLC DBA Color Health); PubMed 32583479 (cited by Ambry Genetics); PubMed 37152446 (cited by Ambry Genetics); PubMed 39685527 (cited by Ambry Genetics); PubMed 29982630 (cited by Women's Health and Genetics/Laboratory Corporation of America, LabCorp); PubMed 32418857 (cited by Women's Health and Genetics/Laboratory Corporation of America, LabCorp); PubMed 30902821 (cited by Color Diagnostics, LLC DBA Color Health); PubMed 31650418 (cited by Color Diagnostics, LLC DBA Color Health); PubMed 31860127 (cited by Color Diagnostics, LLC DBA Color Health); PubMed 31907047 (cited by Color Diagnostics, LLC DBA Color Health); PubMed 32281532 (cited by Color Diagnostics, LLC DBA Color Health); PubMed 32531501 (cited by Color Diagnostics, LLC DBA Color Health); PubMed 33617311 (cited by Color Diagnostics, LLC DBA Color Health); PubMed 35743707 (cited by Color Diagnostics, LLC DBA Color Health); PubMed 36156392 (cited by Color Diagnostics, LLC DBA Color Health); PubMed 8878432 (cited by Victorian Clinical Genetics Services, Murdoch Childrens Research Institute); PubMed 31613176 (cited by Victorian Clinical Genetics Services, Murdoch Childrens Research Institute); PubMed 31956509 (cited by Victorian Clinical Genetics Services, Murdoch Childrens Research Institute); PubMed 24784157 (cited by Laboratory for Molecular Medicine, Mass General Brigham Personalized Medicine); NCBI Bookshelf NBK1292 (cited by GeneReviews).